The following is an entry in ClinVar:

NM_004750.5(CRLF1):c.1065C>T (p.Gly355=)

Genes: CRLF1 (cytokine receptor like factor 1; minus strand), LOC130064021 (ATAC-STARR-seq lymphoblastoid silent region 10411; plus strand). Cytogenetic location: 19p13.11.
Variant type: single nucleotide variant.
Coding change: c.1065C>T on transcript NM_004750.5 (MANE Select); coding-DNA position 1065, C replaced by T.
Protein change: p.Gly355=; no amino-acid change (glycine 355 retained).
Molecular consequence: synonymous variant.
Genome position (GRCh38, 1-based): chr19:18,594,394, G>A on the plus strand (C>T on the coding strand, the complement: CRLF1 is on the minus strand). VCF-style: chr19-18594394-G-A. GRCh37 (hg19) VCF-style: chr19-18705204-G-A.
Identifiers: ClinVar variation 744867 (VCV000744867.10), dbSNP rs770841163, ClinGen allele CA9314006.

ClinVar aggregate classification (germline): Likely benign. Review status: criteria provided, single submitter (1 of 4 stars). 2 submissions from 2 submitters: Likely benign (1). 1 of the submissions does not count toward it. Last evaluated 2026-01-28.

Conditions:
CRLF1-related disorder. Also called: CRLF1-related condition.

Allele frequency attached by ClinVar (database versions not stated): gnomAD 0.00003; gnomAD exomes 0.00004 and 0.00017; TOPMed 0.00004; ExAC 0.00022.
gnomAD v4.1: 63 of 1,579,752 alleles (0.004%); highest among the groups gnomAD compares: Admixed American, 0.055%; no homozygotes.

Submissions (2):

Labcorp Genetics (formerly Invitae), Labcorp
Classification: Likely benign. Last evaluated: 2026-01-28. Review status: criteria provided, single submitter. Criteria: Invitae Variant Classification Sherloc (09022015). Collection method: clinical testing. Allele origin: germline.

PreventionGenetics, part of Exact Sciences
Classification: Likely benign for CRLF1-related condition. Last evaluated: 2019-06-05. Review status: no assertion criteria provided. Collection method: clinical testing. Allele origin: germline. Not counted in ClinVar's aggregate classification.
Comment: This variant is classified as likely benign based on ACMG/AMP sequence variant interpretation guidelines (Richards et al. 2015 PMID: 25741868, with internal and published modifications).